The following is an entry in ClinVar:

NM_001105206.3(LAMA4):c.1070_1077+1delinsAGGAATTAGTAGAGGAATACA

Gene: LAMA4 (laminin subunit alpha 4; minus strand). Cytogenetic location: 6q21.
Variant type: Indel.
Coding change: c.1070_1077+1delinsAGGAATTAGTAGAGGAATACA on transcript NM_001105206.3 (MANE Select); coding-DNA position 1070 through the canonical splice donor site of the intron after coding-DNA position 1077, TTGAAAAGG replaced by AGGAATTAGTAGAGGAATACA.
Molecular consequence: splice donor variant.
Genome position (GRCh38, 1-based): chr6:112,185,236-112,185,244, CCTTTTCAA replaced by TGTATTCCTCTACTAATTCCT on the plus strand (TTGAAAAGG replaced by AGGAATTAGTAGAGGAATACA on the coding strand, the reverse complement: LAMA4 is on the minus strand). VCF-style: chr6-112185236-CCTTTTCAA-TGTATTCCTCTACTAATTCCT. GRCh37 (hg19) VCF-style: chr6-112506438-CCTTTTCAA-TGTATTCCTCTACTAATTCCT.
Other names: c.1049_1056+1delinsAGGAATTAGTAGAGGAATACA (NM_002290.5, NM_001105207.3).
Identifiers: ClinVar variation 1776224 (VCV001776224.3), dbSNP rs2547135366, ClinGen allele CA2580074787.

ClinVar aggregate classification (germline): Uncertain significance (1 of 4 stars; one submission).

Conditions:
Cardiovascular phenotype. Identifiers: MedGen CN230736.

Submission:

Ambry Genetics
Classification: Uncertain significance for Cardiovascular phenotype. Last evaluated: 2026-08-27. Review status: criteria provided, single submitter. Criteria: Ambry Variant Classification Scheme 2023. Collection method: clinical testing. Allele origin: germline.
Comment: The c.1049_1056+1DELTTGAAAAGGINS21 variant results from a deletion of 9 nucleotides and insertion of 21 nucleotides at positions c.1049 and 1056+1, and involves the canonical splice donor site after coding exon 9 of the LAMA4 gene. The canonical splice donor site is highly conserved in available vertebrate species. In silico splice site analysis predicts that this alteration will weaken the native splice donor site. The evidence for this gene-disease relationship is limited; therefore, the clinical significance of this variant is unclear.